The following is an entry in ClinVar:

NM_005159.5(ACTC1):c.317_348dup (p.Asn117delinsCysSerGlnArgProArgTer)

Genes: ACTC1 (actin alpha cardiac muscle 1; minus strand), GJD2-DT (GJD2 divergent transcript; plus strand). Cytogenetic location: 15q14.
Variant type: Duplication.
Coding change: c.317_348dup on transcript NM_005159.5 (MANE Select); coding-DNA positions 317 to 348, 32 bases duplicated.
Protein change: p.Asn117delinsCysSerGlnArgProArgTer.
Molecular consequence: nonsense. On other transcripts: 5 prime UTR variant (1).
Genome position (GRCh38, 1-based): chr15:34,793,351-34,793,382, 32 bases duplicated; duplicating any 32 consecutive bases within chr15:34,793,351-34,793,384 gives the same sequence; the c. name uses the placement nearest the transcript's 3' end. GRCh37 (hg19): chr15:35,085,554-35,085,585.
Other names: c.317_348dup, p.Asn117delinsCysSerGlnArgProArgTer (NM_001406482.1, NM_001406483.1); c.182_213dup, p.Asn72delinsCysSerGlnArgProArgTer (NM_001406484.1); c.-72_-41dup (NM_001406485.1).
Identifiers: ClinVar variation 3755503 (VCV003755503.2).

ClinVar aggregate classification (germline): Uncertain significance (1 of 4 stars; one submission).

Conditions:
Atrial septal defect 5 (ASD5). Identifiers: Orphanet 1478, MedGen C2748552, MONDO:0013011, OMIM 612794.
Dilated cardiomyopathy 1R (CMD1R). Identifiers: Orphanet 154, Orphanet 54260, MedGen C3150681, MONDO:0013261, OMIM 613424.
Hypertrophic cardiomyopathy 11. Also called: ACTC1-Related Familial Hypertrophic Cardiomyopathy. Identifiers: MedGen C2677506, MONDO:0012799, OMIM 612098.

Submission:

Labcorp Genetics (formerly Invitae), Labcorp
Classification: Uncertain significance for Dilated cardiomyopathy 1R; Hypertrophic cardiomyopathy 11; Atrial septal defect 5. Last evaluated: 2024-03-24. Review status: criteria provided, single submitter. Criteria: Invitae Variant Classification Sherloc (09022015). Collection method: clinical testing. Allele origin: germline.
Comment: This sequence change creates a premature translational stop signal (p.Asn117Cysfs*7) in the ACTC1 gene. It is expected to result in an absent or disrupted protein product. However, the current clinical and genetic evidence is not sufficient to establish whether loss-of-function variants in ACTC1 cause disease. This variant is not present in population databases (gnomAD no frequency). This variant has not been reported in the literature in individuals affected with ACTC1-related conditions. In summary, the available evidence is currently insufficient to determine the role of this variant in disease. Therefore, it has been classified as a Variant of Uncertain Significance.